The following is an entry in ClinVar:

NM_015114.3(ANKLE2):c.*8G>A

Gene: ANKLE2 (ankyrin repeat and LEM domain containing 2; minus strand). Cytogenetic location: 12q24.33.
Variant type: single nucleotide variant.
Coding change: c.*8G>A on transcript NM_015114.3 (MANE Select); 8 bases downstream of the stop codon, G replaced by A.
Molecular consequence: 3 prime UTR variant.
Genome position (GRCh38, 1-based): chr12:132,727,234, C>T on the plus strand (G>A on the coding strand, the complement: ANKLE2 is on the minus strand). VCF-style: chr12-132727234-C-T. GRCh37 (hg19) VCF-style: chr12-133303820-C-T.
Identifiers: ClinVar variation 3036132 (VCV003036132.2), dbSNP rs765057984, ClinGen allele CA6895096.
Genomic context (GRCh38, chr12:132,727,234, plus strand): 5'-TTTAGCAATAAACATATGACCCTTCCTTCTTTAAAAATGAAGAACAAACCGAGAGCCCAG[C>T]GCCAAGCCTACAGGGCGGCAAGCTCAGCCAGGCGCGCCATCCTGCGGAGCTGGCTCCCGT-3'

ClinVar aggregate classification (germline): Likely benign (0 of 4 stars; one submission).

Conditions:
ANKLE2-related disorder. Also called: ANKLE2-related condition.

Allele frequency attached by ClinVar (database versions not stated): gnomAD 0.00001; gnomAD exomes 0.00002; TOPMed 0.00008.
gnomAD v4.1: 31 of 1,544,596 alleles (0.002%); highest among the groups gnomAD compares: Admixed American, 0.039%; no homozygotes.

Submission:

PreventionGenetics, part of Exact Sciences
Classification: Likely benign for ANKLE2-related condition. Last evaluated: 2021-07-19. Review status: no assertion criteria provided. Collection method: clinical testing. Allele origin: germline.
Comment: This variant is classified as likely benign based on ACMG/AMP sequence variant interpretation guidelines (Richards et al. 2015 PMID: 25741868, with internal and published modifications).